The following is an entry in ClinVar:

NM_014712.3(SETD1A):c.3220C>G (p.Leu1074Val)

Gene: SETD1A (SET domain containing 1A, histone lysine methyltransferase; plus strand). Cytogenetic location: 16p11.2.
Variant type: single nucleotide variant.
Coding change: c.3220C>G on transcript NM_014712.3 (MANE Select); coding-DNA position 3220, C replaced by G.
Protein change: p.Leu1074Val; replaces leucine 1074 with valine.
Molecular consequence: missense variant.
Genome position (GRCh38, 1-based): chr16:30,971,581, C>G. VCF-style: chr16-30971581-C-G. GRCh37 (hg19) VCF-style: chr16-30982902-C-G.
Other names: short protein forms L1074V.
Identifiers: ClinVar variation 3360908 (VCV003360908.1).

ClinVar aggregate classification (germline): Uncertain significance (1 of 4 stars; one submission).

Submission:

GeneDx
Classification: Uncertain significance. Last evaluated: 2023-07-07. Review status: criteria provided, single submitter. Criteria: GeneDx Variant Classification Process June 2021. Collection method: clinical testing. Allele origin: germline. Affected: yes.
Comment: Not observed at significant frequency in large population cohorts (gnomAD); In silico analysis supports that this missense variant does not alter protein structure/function; Has not been previously published as pathogenic or benign to our knowledge